The following is an entry in ClinVar:

ClinVar aggregate classification (germline): Benign/Likely benign. Review status: criteria provided, multiple submitters, no conflicts (2 of 4 stars). 2 submissions from 2 submitters: Benign (1); Likely benign (1). Last evaluated 2024-11-07.

Conditions:
Papillary renal cell carcinoma type 1 (RCCP1). Also called: Renal adenocarcinoma; Renal cell carcinoma 1; Renal cell carcinoma, somatic; RENAL CELL CARCINOMA, PAPILLARY, 1, SOMATIC. Identifiers: Orphanet 47044, MedGen C1336839, OMIM 605074, HP:0011797.
Renal cell carcinoma. Identifiers: Orphanet 217071, MedGen C0007134, MeSH D002292, MONDO:0005086, HP:0005584.

Submissions (2):

Myriad Genetics, Inc.
Classification: Likely benign for Papillary renal cell carcinoma type 1. Last evaluated: 2024-11-07. Review status: criteria provided, single submitter. Criteria: Myriad Autosomal Dominant, Autosomal Recessive and X-Linked Classification Criteria (2023). Collection method: clinical testing. Allele origin: unknown.
Comment: This variant is considered likely benign. This variant is intronic and is not expected to impact mRNA splicing.

Labcorp Genetics (formerly Invitae), Labcorp
Classification: Benign for Renal cell carcinoma. Last evaluated: 2024-03-11. Review status: criteria provided, single submitter. Criteria: Invitae Variant Classification Sherloc (09022015). Collection method: clinical testing. Allele origin: germline.

NM_000245.4(MET):c.1393-10dup

Gene: MET (MET proto-oncogene, receptor tyrosine kinase; plus strand). Cytogenetic location: 7q31.2.
Variant type: Duplication.
Coding change: c.1393-10dup on transcript NM_000245.4 (MANE Select); 10 bases into the intron before coding-DNA position 1393, one base duplicated (T; older notation c.1393-10dupT).
Molecular consequence: intron variant.
Genome position (GRCh38, 1-based): chr7:116,739,940, T duplicated; the last of 6 consecutive T bases (chr7:116,739,935-116,739,940); duplicating any one gives the same sequence. VCF-style (leftmost placement, unchanged base first): chr7-116739934-C-CT. GRCh37 (hg19) VCF-style: chr7-116379988-C-CT.
Other names: c.1393-10dup (NM_001127500.3, NM_001324401.3); c.103-10dup (NM_001324402.2).
Identifiers: ClinVar variation 3623317 (VCV003623317.3).